The following is an entry in ClinVar:

NM_003659.4(AGPS):c.544C>T (p.Arg182Ter)

Gene: AGPS (alkylglycerone phosphate synthase; plus strand). Cytogenetic location: 2q31.2.
Variant type: single nucleotide variant.
Coding change: c.544C>T on transcript NM_003659.4 (MANE Select); coding-DNA position 544, C replaced by T.
Protein change: p.Arg182Ter; replaces arginine 182 with a stop codon.
Molecular consequence: nonsense.
Genome position (GRCh38, 1-based): chr2:177,436,866, C>T. VCF-style: chr2-177436866-C-T. GRCh37 (hg19) VCF-style: chr2-178301594-C-T.
Other names: short protein forms R182*.
Identifiers: ClinVar variation 944256 (VCV000944256.6), dbSNP rs1686426425, ClinGen allele CA349702403.
Genomic context (GRCh38, chr2:177,436,866, plus strand): 5'-GAAGATTTTCTTCATGACCTTAAAGAAACTAATATTTCATATTCACAAGAGGCAGATGAT[C>T]GAGTATTTAGAGCTCATGGTAAGTTACTTTATATTAGCCCTATTTATTTTTAACAAAAAA-3'

ClinVar aggregate classification (germline): Pathogenic/Likely pathogenic. Review status: criteria provided, multiple submitters, no conflicts (2 of 4 stars). 2 submissions from 2 submitters: Pathogenic (1); Likely pathogenic (1). Last evaluated 2025-03-17.

Conditions:
Rhizomelic chondrodysplasia punctata type 3 (RCDP3). Also called: Alkylglycerone Phosphate Synthase (AGPS) deficiency; ALKYLDIHYDROXYACETONEPHOSPHATE SYNTHASE DEFICIENCY. Identifiers: Orphanet 177, Orphanet 309803, MedGen C1838612, MONDO:0010823, OMIM 600121. Disease mechanism: loss of function.

Allele frequency attached by ClinVar (database versions not stated): gnomAD exomes below 0.00001.
gnomAD v4.1: 1 of 1,612,602 alleles (0.000062%); highest among the groups gnomAD compares: Non-Finnish European, 0.000085%; no homozygotes.

Submissions (2):

Natera, Inc.
Classification: Likely pathogenic for Rhizomelic chondrodysplasia punctata, type 3. Last evaluated: 2025-03-17. Review status: criteria provided, single submitter. Criteria: Natera Variant Classification Schema (03/2026). Collection method: clinical testing. Allele origin: germline.
Comment: The c.544C>T variant in AGPS is a nonsense variant predicted to introduce a stop codon at amino acid 182. This variant is expected to result in nonsense mediated decay, truncation, or a dysfunctional protein product. This variant is rare in the general population with a frequency below the threshold expected for the associated phenotype(s). Given the available evidence, this variant is classified as Likely Pathogenic.

Labcorp Genetics (formerly Invitae), Labcorp
Classification: Pathogenic. Last evaluated: 2019-04-17. Review status: criteria provided, single submitter. Criteria: Invitae Variant Classification Sherloc (09022015). Collection method: clinical testing. Allele origin: germline.
Comment: This sequence change creates a premature translational stop signal (p.Arg182*) in the AGPS gene. It is expected to result in an absent or disrupted protein product. This variant is not present in population databases (ExAC no frequency). This variant has not been reported in the literature in individuals with AGPS-related conditions. Loss-of-function variants in AGPS are known to be pathogenic (PMID: 9553082, 21990100, 25197626). For these reasons, this variant has been classified as Pathogenic.

Literature cited by the submitters: PubMed 9553082 (cited by Labcorp Genetics (formerly Invitae), Labcorp); PubMed 21990100 (cited by Labcorp Genetics (formerly Invitae), Labcorp); PubMed 25197626 (cited by Labcorp Genetics (formerly Invitae), Labcorp).